The following is an entry in ClinVar:

ClinVar aggregate classification (germline): Uncertain significance (1 of 4 stars; one submission).

Conditions:
Autoimmune lymphoproliferative syndrome, type III caused by mutation in PRKCD. Identifiers: Orphanet 3261, Orphanet 664711, MedGen C3809928, MONDO:8000024, OMIM 615559.

Allele frequency attached by ClinVar (database versions not stated): ExAC 0.00002; gnomAD exomes 0.00002.
gnomAD v4.1: 24 of 1,613,716 alleles (0.0015%); highest among the groups gnomAD compares: Non-Finnish European, 0.0019%; no homozygotes.

Submission:

Labcorp Genetics (formerly Invitae), Labcorp
Classification: Uncertain significance for Autoimmune lymphoproliferative syndrome, type III caused by mutation in PRKCD. Last evaluated: 2024-06-09. Review status: criteria provided, single submitter. Criteria: Invitae Variant Classification Sherloc (09022015). Collection method: clinical testing. Allele origin: germline.
Comment: This sequence change falls in intron 9 of the PRKCD gene. It does not directly change the encoded amino acid sequence of the PRKCD protein. It affects a nucleotide within the consensus splice site. This variant is present in population databases (rs782157692, gnomAD 0.004%). This variant has not been reported in the literature in individuals affected with PRKCD-related conditions. Variants that disrupt the consensus splice site are a relatively common cause of aberrant splicing (PMID: 17576681, 9536098). Algorithms developed to predict the effect of sequence changes on RNA splicing suggest that this variant is not likely to affect RNA splicing. In summary, the available evidence is currently insufficient to determine the role of this variant in disease. Therefore, it has been classified as a Variant of Uncertain Significance.

Literature cited by the submitters: PubMed 17576681; PubMed 9536098.

NM_006254.4(PRKCD):c.788-3C>T

Gene: PRKCD (protein kinase C delta; plus strand). Cytogenetic location: 3p21.1.
Variant type: single nucleotide variant.
Coding change: c.788-3C>T on transcript NM_006254.4 (MANE Select); 3 bases into the intron before coding-DNA position 788, C replaced by T.
Molecular consequence: intron variant.
Genome position (GRCh38, 1-based): chr3:53,184,871, C>T. VCF-style: chr3-53184871-C-T. GRCh37 (hg19) VCF-style: chr3-53218887-C-T.
Other names: c.788-3C>T (NM_001354680.2, NM_001354679.2, NM_212539.2 and 1 more transcripts); c.845-3C>T (NM_001354676.2); c.836-3C>T (NM_001354678.2).
Identifiers: ClinVar variation 2889704 (VCV002889704.3), dbSNP rs782157692, ClinGen allele CA2451978.